The following is an entry in ClinVar:

NM_017999.5(RNF31):c.2443G>A (p.Ala815Thr)

Gene: RNF31 (ring finger protein 31; plus strand). Cytogenetic location: 14q12.
Variant type: single nucleotide variant.
Coding change: c.2443G>A on transcript NM_017999.5 (MANE Select); coding-DNA position 2443, G replaced by A.
Protein change: p.Ala815Thr; replaces alanine 815 with threonine.
Molecular consequence: missense variant.
Genome position (GRCh38, 1-based): chr14:24,155,642, G>A. VCF-style: chr14-24155642-G-A. GRCh37 (hg19) VCF-style: chr14-24624851-G-A.
Other names: c.1990G>A, p.Ala664Thr (NM_001310332.2); short protein forms A664T, A815T.
Identifiers: ClinVar variation 4699991 (VCV004699991.1).

ClinVar aggregate classification (germline): Uncertain significance (1 of 4 stars; one submission).

gnomAD v4.1: 9 of 1,614,080 alleles (0.00056%); highest among the groups gnomAD compares: South Asian, 0.0066%; no homozygotes.

Submission:

Labcorp Genetics (formerly Invitae), Labcorp
Classification: Uncertain significance. Last evaluated: 2025-09-28. Review status: criteria provided, single submitter. Criteria: Invitae Variant Classification Sherloc (09022015). Collection method: clinical testing. Allele origin: germline.
Comment: This sequence change replaces alanine, which is neutral and non-polar, with threonine, which is neutral and polar, at codon 815 of the RNF31 protein (p.Ala815Thr). This variant is present in population databases (rs373844579, gnomAD 0.01%). This variant has not been reported in the literature in individuals affected with RNF31-related conditions. An algorithm developed to predict the effect of missense changes on protein structure and function (PolyPhen-2) suggests that this variant is likely to be disruptive. In summary, the available evidence is currently insufficient to determine the role of this variant in disease. Therefore, it has been classified as a Variant of Uncertain Significance.